The following is an entry in ClinVar:

NM_000051.4(ATM):c.884C>T (p.Ala295Val)

Gene: ATM (ATM serine/threonine kinase; plus strand). Cytogenetic location: 11q22.3.
Variant type: single nucleotide variant.
Coding change: c.884C>T on transcript NM_000051.4 (MANE Select); coding-DNA position 884, C replaced by T.
Protein change: p.Ala295Val; replaces alanine 295 with valine.
Molecular consequence: missense variant.
Genome position (GRCh38, 1-based): chr11:108,245,009, C>T. VCF-style: chr11-108245009-C-T. GRCh37 (hg19) VCF-style: chr11-108115736-C-T.
Other names: c.884C>T, p.Ala295Val (NM_001351834.2); short protein forms A295V.
Identifiers: ClinVar variation 1059170 (VCV001059170.9), dbSNP rs1044092081, ClinGen allele CA382529584.

ClinVar aggregate classification (germline): Uncertain significance (1 of 4 stars; one submission).

Conditions:
Ataxia-telangiectasia syndrome (AT). Also called: ATAXIA-TELANGIECTASIA, FRESNO VARIANT; Ataxia-telangiectasia, complementation group D; AT, COMPLEMENTATION GROUP C; Ataxia-telangiectasia; Ataxia-telangiectasia, complementation group E; Ataxia telangiectasia (A-T). Identifiers: Orphanet 100, MedGen C0004135, MONDO:0008840, OMIM 208900.

Submission:

Labcorp Genetics (formerly Invitae), Labcorp
Classification: Uncertain significance for Ataxia-telangiectasia syndrome. Last evaluated: 2020-05-03. Review status: criteria provided, single submitter. Criteria: Invitae Variant Classification Sherloc (09022015). Collection method: clinical testing. Allele origin: germline.
Comment: In summary, the available evidence is currently insufficient to determine the role of this variant in disease. Therefore, it has been classified as a Variant of Uncertain Significance. Algorithms developed to predict the effect of missense changes on protein structure and function are either unavailable or do not agree on the potential impact of this missense change (SIFT: "Tolerated"; PolyPhen-2: "Probably Damaging"; Align-GVGD: "Class C0"). This variant has not been reported in the literature in individuals with ATM-related conditions. This variant is not present in population databases (ExAC no frequency). This sequence change replaces alanine with valine at codon 295 of the ATM protein (p.Ala295Val). The alanine residue is highly conserved and there is a small physicochemical difference between alanine and valine.